The following is an entry in ClinVar:

NM_022552.5(DNMT3A):c.1263C>T (p.Gly421=)

Gene: DNMT3A (DNA methyltransferase 3 alpha; minus strand). Cytogenetic location: 2p23.3.
Variant type: single nucleotide variant.
Coding change: c.1263C>T on transcript NM_022552.5 (MANE Select); coding-DNA position 1263, C replaced by T.
Protein change: p.Gly421=; no amino-acid change (glycine 421 retained).
Molecular consequence: synonymous variant. On other transcripts: non-coding transcript variant (1).
Genome position (GRCh38, 1-based): chr2:25,246,636, G>A on the plus strand (C>T on the coding strand, the complement: DNMT3A is on the minus strand). VCF-style: chr2-25246636-G-A. GRCh37 (hg19) VCF-style: chr2-25469505-G-A.
Other names: c.807C>T, p.Gly269= (NM_001320893.1); c.594C>T, p.Gly198= (NM_001375819.1); c.696C>T, p.Gly232= (NM_153759.3); c.1263C>T, p.Gly421= (NM_175629.2).
Identifiers: ClinVar variation 3841775 (VCV003841775.2).

ClinVar aggregate classification (germline): Likely benign. Review status: criteria provided, multiple submitters, no conflicts (2 of 4 stars). 2 submissions from 2 submitters: Likely benign (2). Last evaluated 2026-01-27.

Conditions:
Inborn genetic diseases. Identifiers: MedGen C0950123, MeSH D030342.
DNMT3A-related disorder. Also called: DNMT3A-related disorders; DNMT3A-related condition.

gnomAD v4.1: 5 of 1,612,718 alleles (0.00031%); highest among the groups gnomAD compares: Non-Finnish European, 0.00042%; no homozygotes.

Submissions (2):

PreventionGenetics, part of Exact Sciences
Classification: Likely benign for DNMT3A-related condition. Last evaluated: 2026-01-27. Review status: criteria provided, single submitter. Criteria: ACMG Guidelines, 2015. Collection method: clinical testing. Allele origin: germline.
Comment: This variant is classified as likely benign based on ACMG/AMP sequence variant interpretation guidelines (Richards et al. 2015 PMID: 25741868, with internal and published modifications).

Ambry Genetics
Classification: Likely benign for Inborn genetic diseases. Last evaluated: 2025-02-02. Review status: criteria provided, single submitter. Criteria: Ambry Variant Classification Scheme 2023. Collection method: clinical testing. Allele origin: germline.